The following is an entry in ClinVar:

NM_001018113.3(FANCB):c.1159C>T (p.Arg387Cys)

Gene: FANCB (FA complementation group B; minus strand). Cytogenetic location: Xp22.2.
Variant type: single nucleotide variant.
Coding change: c.1159C>T on transcript NM_001018113.3 (MANE Select); coding-DNA position 1159, C replaced by T.
Protein change: p.Arg387Cys; replaces arginine 387 with cysteine.
Molecular consequence: missense variant.
Genome position (GRCh38, 1-based): chrX:14,857,900, G>A on the plus strand (C>T on the coding strand, the complement: FANCB is on the minus strand). VCF-style: chrX-14857900-G-A. GRCh37 (hg19) VCF-style: chrX-14876022-G-A.
Other names: c.1159C>T, p.Arg387Cys (NM_001324162.2, NM_152633.4); short protein forms R387C.
Identifiers: ClinVar variation 1427504 (VCV001427504.4), dbSNP rs145542355, ClinGen allele CA10353110.

ClinVar aggregate classification (germline): Uncertain significance (1 of 4 stars; one submission).

Conditions:
Fanconi anemia (FA). Also called: Fanconi's anemia. Identifiers: Orphanet 84, MedGen C0015625, MeSH D005199, MONDO:0019391.

Allele frequency attached by ClinVar (database versions not stated): gnomAD exomes below 0.00001 and 0.00001; ExAC 0.00001; gnomAD 0.00002; TOPMed 0.00002; ESP Exome Variant Server 0.00009.
gnomAD v4.1: 7 of 1,193,408 alleles (0.00059%); highest among the groups gnomAD compares: African/African-American, 0.0053%; no homozygotes.

Submission:

Labcorp Genetics (formerly Invitae), Labcorp
Classification: Uncertain significance for Fanconi anemia. Last evaluated: 2025-04-10. Review status: criteria provided, single submitter. Criteria: Invitae Variant Classification Sherloc (09022015). Collection method: clinical testing. Allele origin: germline.
Comment: This sequence change replaces arginine, which is basic and polar, with cysteine, which is neutral and slightly polar, at codon 387 of the FANCB protein (p.Arg387Cys). The frequency data for this variant in the population databases is considered unreliable, as metrics indicate poor data quality at this position in the gnomAD database. This variant has not been reported in the literature in individuals affected with FANCB-related conditions. ClinVar contains an entry for this variant (Variation ID: 1427504). Invitae Evidence Modeling of protein sequence and biophysical properties (such as structural, functional, and spatial information, amino acid conservation, physicochemical variation, residue mobility, and thermodynamic stability) indicates that this missense variant is not expected to disrupt FANCB protein function with a negative predictive value of 80%. In summary, the available evidence is currently insufficient to determine the role of this variant in disease. Therefore, it has been classified as a Variant of Uncertain Significance.